The following is an entry in ClinVar:

ClinVar aggregate classification (germline): Uncertain significance. Review status: criteria provided, multiple submitters, no conflicts (2 of 4 stars). 2 submissions from 2 submitters: Uncertain significance (2). Last evaluated 2024-07-29.

Conditions:
Familial thoracic aortic aneurysm and aortic dissection (TAAD). Also called: Thoracic aortic aneurysms and dissections. Identifiers: Orphanet 91387, MedGen C4707243, MONDO:0019625.
Aneurysm-osteoarthritis syndrome. Also called: SMAD3-Related Loeys-Dietz Syndrome; Loeys-Dietz syndrome, type 1C; LOEYS-DIETZ SYNDROME WITH OSTEOARTHRITIS; ANEURYSMS-OSTEOARTHRITIS SYNDROME. Identifiers: Orphanet 284984, MedGen C3151087, MONDO:0013426, OMIM 613795.

Allele frequency attached by ClinVar (database versions not stated): gnomAD exomes 0.00001.

Submissions (2):

All of Us Research Program, National Institutes of Health
Classification: Uncertain significance for Aneurysm-osteoarthritis syndrome. Last evaluated: 2024-07-29. Review status: criteria provided, single submitter. Criteria: ACMG Guidelines, 2015. Collection method: clinical testing. Allele origin: germline. Inheritance: Autosomal dominant inheritance. Observed: 1 variant allele, 1 heterozygote.
Comment: This missense variant replaces asparagine with serine at codon 24 of the SMAD3 protein. Computational prediction suggests that this variant may not impact protein structure and function (internally defined REVEL score threshold <= 0.5, PMID: 27666373). To our knowledge, functional studies have not been reported for this variant. This variant has not been reported in individuals affected with SMAD3-related disorders in the literature. This variant has not been identified in the general population by the Genome Aggregation Database (gnomAD). The available evidence is insufficient to determine the role of this variant in disease conclusively. Therefore, this variant is classified as a Variant of Uncertain Significance.

This study involves interpretation of variants in research participants for the purpose of population health screening. Participant phenotype was not available at the time of variant classification. Additional details can be found in publication PMID: 35346344, PMCID: PMC8962531

Ambry Genetics
Classification: Uncertain significance for Familial thoracic aortic aneurysm and aortic dissection. Last evaluated: 2022-06-19. Review status: criteria provided, single submitter. Criteria: Ambry Variant Classification Scheme 2023. Collection method: clinical testing. Allele origin: germline.
Comment: The p.N24S variant (also known as c.71A>G), located in coding exon 1 of the SMAD3 gene, results from an A to G substitution at nucleotide position 71. The asparagine at codon 24 is replaced by serine, an amino acid with highly similar properties. This amino acid position is conserved. In addition, this alteration is predicted to be tolerated by in silico analysis. Since supporting evidence is limited at this time, the clinical significance of this alteration remains unclear.

NM_005902.4(SMAD3):c.71A>G (p.Asn24Ser)

Gene: SMAD3 (SMAD family member 3; plus strand). Cytogenetic location: 15q22.33.
Variant type: single nucleotide variant.
Coding change: c.71A>G on transcript NM_005902.4 (MANE Select); coding-DNA position 71, A replaced by G.
Protein change: p.Asn24Ser; replaces asparagine 24 with serine.
Molecular consequence: missense variant.
Genome position (GRCh38, 1-based): chr15:67,066,225, A>G. VCF-style: chr15-67066225-A-G. GRCh37 (hg19) VCF-style: chr15-67358563-A-G.
Other names: c.71A>G, p.Asn24Ser (NM_001407011.1, NM_001407012.1, NM_001407013.1); short protein forms N24S.
Identifiers: ClinVar variation 1757638 (VCV001757638.3), dbSNP rs2140188843, ClinGen allele CA393202818.